The following is an entry in ClinVar:

NM_002334.4(LRP4):c.2144C>G (p.Pro715Arg)

Gene: LRP4 (LDL receptor related protein 4; minus strand). Cytogenetic location: 11p11.2.
Variant type: single nucleotide variant.
Coding change: c.2144C>G on transcript NM_002334.4 (MANE Select); coding-DNA position 2144, C replaced by G.
Protein change: p.Pro715Arg; replaces proline 715 with arginine.
Molecular consequence: missense variant.
Genome position (GRCh38, 1-based): chr11:46,889,482, G>C on the plus strand (C>G on the coding strand, the complement: LRP4 is on the minus strand). VCF-style: chr11-46889482-G-C. GRCh37 (hg19) VCF-style: chr11-46911033-G-C.
Other names: short protein forms P715R.
Identifiers: ClinVar variation 3066107 (VCV003066107.1), dbSNP rs1228329471, ClinGen allele CA380281370.
Genomic context (GRCh38, chr11:46,889,482, plus strand): 5'-GCGTGGCTGCTGATCTTGCGGAAGCCAGTGGGGCAGGCACAGGTGTAGTTCTGGCCACTG[G>C]GCAGACACAGGTGCGTGCAGCCTCCGTTGTTGTCCCCACAGCGGTTTTTCCCTGCTCAAA-3'
Protein context (NP_002325.2, residues 705-725): NNGGCTHLCL[Pro715Arg]SGQNYTCACP

ClinVar aggregate classification (germline): Uncertain significance (1 of 4 stars; one submission).

Conditions:
Cenani-Lenz syndactyly syndrome. Also called: SYNDACTYLY, TYPE VII; CENANI SYNDACTYLISM. Identifiers: Orphanet 3258, MedGen C1859309, MONDO:0008931, OMIM 212780.

Allele frequency attached by ClinVar (database versions not stated): gnomAD exomes below 0.00001.
gnomAD v4.1: 1 of 1,614,130 alleles (0.000062%); highest among the groups gnomAD compares: East Asian, 0.0022%; no homozygotes.

Submission:

MVZ Medizinische Genetik Mainz
Classification: Uncertain significance for Cenani-Lenz syndactyly syndrome. Last evaluated: 2023-02-13. Review status: criteria provided, single submitter. Criteria: UK Practice Guidelines For Variant Classification V4 01 2020. Collection method: clinical testing. Allele origin: germline. Inheritance: Autosomal recessive inheritance. Affected: yes. Observed: 1 variant allele.
Comment: ACMG Criteria: PM2_SUP,PP3